The following is an entry in ClinVar:

ClinVar aggregate classification (germline): Pathogenic/Likely pathogenic. Review status: criteria provided, multiple submitters, no conflicts (2 of 4 stars). 2 submissions from 2 submitters: Pathogenic (1); Likely pathogenic (1). Last evaluated 2025-03-10.

Conditions:
VPS13A-related neurodegenerative disease. Also called: VPS13A Disease; Choreaacanthocytosis; Choreoacanthocytosis; Chorea-acanthocytosis; ACANTHOCYTOSIS WITH NEUROLOGIC DISORDER; LEVINE-CRITCHLEY SYNDROME. Identifiers: Orphanet 2388, MedGen C0393576, MONDO:0008695, OMIM 200150.

Submissions (2):

Natera, Inc.
Classification: Likely pathogenic for Choreaacanthocytosis. Last evaluated: 2025-03-10. Review status: criteria provided, single submitter. Criteria: Natera Variant Classification Schema (03/2026). Collection method: clinical testing. Allele origin: germline.
Comment: The c.3971_3974delGTCA variant in VPS13A is a frameshift variant predicted to shift the reading frame beginning at codon 1324 and leads to a stop codon 4 codons downstream. This variant is expected to result in nonsense mediated decay, truncation, or a dysfunctional protein product. This variant is rare in the general population with a frequency below the threshold expected for the associated phenotype(s). Given the available evidence, this variant is classified as Likely Pathogenic.

CeGaT Center for Human Genetics Tuebingen
Classification: Pathogenic. Last evaluated: 2018-03-01. Review status: criteria provided, single submitter. Criteria: CeGaT Center For Human Genetics Tuebingen Variant Classification Criteria Version 2. Collection method: clinical testing. Allele origin: germline. Affected: yes. Observed: 1 variant allele.

NM_033305.3(VPS13A):c.3971_3974del (p.Ser1324fs)

Gene: VPS13A (vacuolar protein sorting 13 homolog A; plus strand). Cytogenetic location: 9q21.2.
Variant type: Deletion.
Coding change: c.3971_3974del on transcript NM_033305.3 (MANE Select); coding-DNA positions 3971 to 3974, 4 bases deleted (GTCA; older notation c.3971_3974delGTCA).
Protein change: p.Ser1324fs; shifts the reading frame from serine 1324.
Molecular consequence: frameshift variant.
Genome position (GRCh38, 1-based): chr9:77,307,955-77,307,958, GTCA deleted; deleting any 4 consecutive bases within chr9:77,307,954-77,307,958 gives the same sequence; the c. name uses the placement nearest the transcript's 3' end. VCF-style (leftmost placement, unchanged base first): chr9-77307953-TAGTC-T. GRCh37 (hg19) VCF-style: chr9-79922869-TAGTC-T.
Other names: c.3854_3857del, p.Ser1285fs (NM_001018037.2); c.3971_3974del, p.Ser1324fs (NM_001018038.3, NM_015186.4); c.3971_3974delGTCA (NM_033305.2); short protein forms S1285fs, S1324fs.
Identifiers: ClinVar variation 872022 (VCV000872022.42), dbSNP rs1475930869, ClinGen allele CA588651399.
Genomic context (GRCh38, chr9:77,307,953, plus strand): 5'-TTCTGCAATGAAGTAGCAGTGCTAAAAAGAACAAATCTTTTTTTTTTAACAGTTCATTCT[TAGTC>T]AAGAAGATATAACAACTATTTTTAAAACATTGCATGGCAATATATGGTATGAAAAAGATG-3'